The following is an entry in ClinVar:

NM_001042472.3(ABHD12):c.367A>T (p.Asn123Tyr)

Gene: ABHD12 (abhydrolase domain containing 12, lysophospholipase; minus strand). Cytogenetic location: 20p11.21.
Variant type: single nucleotide variant.
Coding change: c.367A>T on transcript NM_001042472.3 (MANE Select); coding-DNA position 367, A replaced by T.
Protein change: p.Asn123Tyr; replaces asparagine 123 with tyrosine.
Molecular consequence: missense variant.
Genome position (GRCh38, 1-based): chr20:25,323,380, T>A on the plus strand (A>T on the coding strand, the complement: ABHD12 is on the minus strand). VCF-style: chr20-25323380-T-A. GRCh37 (hg19) VCF-style: chr20-25304016-T-A.
Other names: c.367A>T, p.Asn123Tyr (NM_015600.5); short protein forms N123Y.
Identifiers: ClinVar variation 1356901 (VCV001356901.6), dbSNP rs2145980185, ClinGen allele CA408444886.

ClinVar aggregate classification (germline): Uncertain significance (1 of 4 stars; one submission).

Submission:

Labcorp Genetics (formerly Invitae), Labcorp
Classification: Uncertain significance. Last evaluated: 2024-10-15. Review status: criteria provided, single submitter. Criteria: Invitae Variant Classification Sherloc (09022015). Collection method: clinical testing. Allele origin: germline.
Comment: This sequence change replaces asparagine, which is neutral and polar, with tyrosine, which is neutral and polar, at codon 123 of the ABHD12 protein (p.Asn123Tyr). This variant is not present in population databases (gnomAD no frequency). This variant has not been reported in the literature in individuals affected with ABHD12-related conditions. ClinVar contains an entry for this variant (Variation ID: 1356901). Invitae Evidence Modeling of protein sequence and biophysical properties (such as structural, functional, and spatial information, amino acid conservation, physicochemical variation, residue mobility, and thermodynamic stability) indicates that this missense variant is not expected to disrupt ABHD12 protein function with a negative predictive value of 80%. In summary, the available evidence is currently insufficient to determine the role of this variant in disease. Therefore, it has been classified as a Variant of Uncertain Significance.